The following is an entry in ClinVar:

ClinVar aggregate classification (germline): Uncertain significance (1 of 4 stars; one submission).

Conditions:
Adams-Oliver syndrome 5 (AOS5). Identifiers: Orphanet 974, MedGen C4014970, MONDO:0014459, OMIM 616028.

gnomAD v4.1: 8 of 1,612,752 alleles (0.0005%); highest among the groups gnomAD compares: Non-Finnish European, 0.00068%; no homozygotes.

Submission:

Labcorp Genetics (formerly Invitae), Labcorp
Classification: Uncertain significance for Adams-Oliver syndrome 5. Last evaluated: 2025-02-09. Review status: criteria provided, single submitter. Criteria: Invitae Variant Classification Sherloc (09022015). Collection method: clinical testing. Allele origin: germline.
Comment: This sequence change falls in intron 4 of the NOTCH1 gene. It does not directly change the encoded amino acid sequence of the NOTCH1 protein. It affects a nucleotide within the consensus splice site. This variant is present in population databases (rs778646322, gnomAD 0.0009%). This variant has not been reported in the literature in individuals affected with NOTCH1-related conditions. Variants that disrupt the consensus splice site are a relatively common cause of aberrant splicing (PMID: 17576681, 9536098). Algorithms developed to predict the effect of sequence changes on RNA splicing suggest that this variant is not likely to affect RNA splicing. In summary, the available evidence is currently insufficient to determine the role of this variant in disease. Therefore, it has been classified as a Variant of Uncertain Significance.

Literature cited by the submitters: PubMed 17576681; PubMed 9536098.

NM_017617.5(NOTCH1):c.743-3C>T

Genes: MIR4673 (microRNA 4673; minus strand), NOTCH1 (notch receptor 1; minus strand). Cytogenetic location: 9q34.3.
Variant type: single nucleotide variant.
Coding change: c.743-3C>T on transcript NM_017617.5 (MANE Select); 3 bases into the intron before coding-DNA position 743, C replaced by T.
Molecular consequence: intron variant. On other transcripts: non-coding transcript variant (1).
Genome position (GRCh38, 1-based): chr9:136,519,568, G>A on the plus strand (C>T on the coding strand, the complement: NOTCH1 is on the minus strand). VCF-style: chr9-136519568-G-A. GRCh37 (hg19) VCF-style: chr9-139414020-G-A.
Identifiers: ClinVar variation 4809011 (VCV004809011.1).
Genomic context (GRCh38, chr9:136,519,568, plus strand): 5'-TTGCAGTTGTTTCCTGGACAATCGTCGATATTTTCCTCACAGTTCTGGCCGGTGAAGCCT[G>A]CCGCAAGAGGGGCCGGGTCAGCCTCTTCCCTGAGGTCCAGTCCGGCTCCTGCCTGGACCC-3'